The following is an entry in ClinVar:

ClinVar aggregate classification (germline): Uncertain significance. Review status: criteria provided, multiple submitters, no conflicts (2 of 4 stars). 2 submissions from 2 submitters: Uncertain significance (2). Last evaluated 2024-04-04.

Conditions:
Brunner syndrome (BRNRS). Identifiers: Orphanet 3057, MedGen C0796275, MONDO:0010379, OMIM 300615.

Submissions (2):

Institute of Medical Genetics and Applied Genomics, University Hospital Tübingen
Classification: Uncertain significance for Brunner syndrome. Last evaluated: 2024-04-04. Review status: criteria provided, single submitter. Criteria: ACMG Guidelines, 2015. Collection method: clinical testing. Allele origin: germline. Inheritance: X-linked recessive inheritance. Affected: yes.

MVZ Medizinische Genetik Mainz
Classification: Uncertain significance for Brunner syndrome. Last evaluated: 2023-01-19. Review status: criteria provided, single submitter. Criteria: UK Practice Guidelines For Variant Classification V4 01 2020. Collection method: clinical testing. Allele origin: germline. Inheritance: X-linked dominant inheritance. Affected: yes. Observed: 1 variant allele.
Comment: ACMG Criteria: PVS1_MOD, PM2_SUP (ACMG Version 4)

NM_000240.4(MAOA):c.1433C>G (p.Ser478Ter)

Gene: MAOA (monoamine oxidase A; plus strand). Cytogenetic location: Xp11.3.
Variant type: single nucleotide variant.
Coding change: c.1433C>G on transcript NM_000240.4 (MANE Select); coding-DNA position 1433, C replaced by G.
Protein change: p.Ser478Ter; replaces serine 478 with a stop codon.
Molecular consequence: nonsense.
Genome position (GRCh38, 1-based): chrX:43,744,167, C>G. VCF-style: chrX-43744167-C-G. GRCh37 (hg19) VCF-style: chrX-43603414-C-G.
Other names: c.1034C>G, p.Ser345Ter (NM_001270458.2); short protein forms S345*, S478*.
Identifiers: ClinVar variation 3066391 (VCV003066391.2), dbSNP rs2519171014, ClinGen allele CA413010613.